The following is an entry in ClinVar:

NM_001302084.2(TOP6BL):c.1242C>T (p.Leu414=)

Gene: TOP6BL (TOP6B like initiator of meiotic double strand breaks; plus strand). Cytogenetic location: 11q13.2.
Variant type: single nucleotide variant.
Coding change: c.1242C>T on transcript NM_001302084.2 (MANE Select); coding-DNA position 1242, C replaced by T.
Protein change: p.Leu414=; no amino-acid change (leucine 414 retained).
Molecular consequence: synonymous variant.
Genome position (GRCh38, 1-based): chr11:66,838,438, C>T. VCF-style: chr11-66838438-C-T. GRCh37 (hg19) VCF-style: chr11-66605909-C-T.
Other names: c.1593C>T, p.Leu531= (NM_024650.4).
Identifiers: ClinVar variation 3049948 (VCV003049948.2), dbSNP rs79814172, ClinGen allele CA6130211.

ClinVar aggregate classification (germline): Benign (0 of 4 stars; one submission).

Conditions:
TOP6BL-related disorder. Also called: TOP6BL-related condition.

Allele frequency attached by ClinVar (database versions not stated): gnomAD exomes 0.00090; ExAC 0.00282; ESP Exome Variant Server 0.00877; gnomAD 0.00894; 1000 Genomes Project 0.01078; 1000 Genomes Project 30x 0.01109; TOPMed 0.01121.
gnomAD v4.1: 2,739 of 1,613,690 alleles (0.17%); highest among the groups gnomAD compares: African/African-American, 3.1%; 43 homozygotes.

Submission:

PreventionGenetics, part of Exact Sciences
Classification: Benign for TOP6BL-related condition. Last evaluated: 2019-04-18. Review status: no assertion criteria provided. Collection method: clinical testing. Allele origin: germline.
Comment: This variant is classified as benign based on ACMG/AMP sequence variant interpretation guidelines (Richards et al. 2015 PMID: 25741868, with internal and published modifications).